The following is an entry in ClinVar:

NM_004360.5(CDH1):c.-37C>A

Genes: CDH1 (cadherin 1; plus strand), LOC130059290 (ATAC-STARR-seq lymphoblastoid silent region 7650; plus strand). Cytogenetic location: 16q22.1.
Variant type: single nucleotide variant.
Coding change: c.-37C>A on transcript NM_004360.5 (MANE Select); 37 bases upstream of the start codon, C replaced by A.
Molecular consequence: 5 prime UTR variant.
Genome position (GRCh38, 1-based): chr16:68,737,379, C>A. VCF-style: chr16-68737379-C-A. GRCh37 (hg19) VCF-style: chr16-68771282-C-A.
Other names: c.-37C>A (LRG_301t1, NM_001317184.2); c.-1652C>A (NM_001317185.2); c.-1856C>A (NM_001317186.2).
Identifiers: ClinVar variation 380334 (VCV000380334.1), dbSNP rs1057520826, ClinGen allele CA16607325.

ClinVar aggregate classification (germline): Likely benign (1 of 4 stars; one submission).

Allele frequency attached by ClinVar (database versions not stated): gnomAD exomes below 0.00001.
gnomAD v4.1: 1 of 1,525,918 alleles (0.000066%); highest among the groups gnomAD compares: Non-Finnish European, 0.000088%; no homozygotes.

Submission:

GeneDx
Classification: Likely benign. Last evaluated: 2015-07-27. Review status: criteria provided, single submitter. Criteria: GeneDx Variant Classification (06012015). Collection method: clinical testing. Allele origin: germline. Affected: yes.
Comment: This variant is considered likely benign or benign based on one or more of the following criteria: it is a conservative change, it occurs at a poorly conserved position in the protein, it is predicted to be benign by multiple in silico algorithms, and/or has population frequency not consistent with disease.